The following is an entry in ClinVar:

NM_031885.5(BBS2):c.504del (p.Leu168fs)

Gene: BBS2 (Bardet-Biedl syndrome 2; minus strand). Cytogenetic location: 16q13.
Variant type: Deletion.
Coding change: c.504del on transcript NM_031885.5 (MANE Select); coding-DNA position 504, one base deleted (G; older notation c.504delG).
Protein change: p.Leu168fs; shifts the reading frame from leucine 168.
Molecular consequence: frameshift variant. On other transcripts: non-coding transcript variant (5).
Genome position (GRCh38, 1-based): chr16:56,510,889, C deleted on the plus strand (G on the coding strand, the reverse complement: BBS2 is on the minus strand). VCF-style (leftmost placement, unchanged base first): chr16-56510888-AC-A. GRCh37 (hg19) VCF-style: chr16-56544800-AC-A.
Other names: c.504del, p.Leu168fs (NM_001377456.1); short protein forms L168fs.
Identifiers: ClinVar variation 936504 (VCV000936504.10), dbSNP rs1224014742, ClinGen allele CA721958240.
Genomic context (GRCh38, chr16:56,510,888, plus strand): 5'-ACACAAGAGAGATATCTCCTCCCCCACATACCTCTTTCTTTCCATCACCATCAAAGTCAC[AC>A]AAGGCCAAGGAATTAACATTGTCTCCAGTAACCTGAAAATAAAACCCCAAACCATTAGCA-3'

ClinVar aggregate classification (germline): Pathogenic. Review status: criteria provided, multiple submitters, no conflicts (2 of 4 stars). 2 submissions from 2 submitters: Pathogenic (2). Last evaluated 2025-04-17.

Conditions:
Bardet-Biedl syndrome (BBS). Identifiers: Orphanet 110, MedGen C0752166, MONDO:0015229.
Bardet-Biedl syndrome 2 (BBS2). Identifiers: Orphanet 110, MedGen C2936863, MONDO:0014432, OMIM 615981.

Allele frequency attached by ClinVar (database versions not stated): TOPMed below 0.00001; gnomAD 0.00001; gnomAD exomes 0.00003.

Submissions (2):

Labcorp Genetics (formerly Invitae), Labcorp
Classification: Pathogenic for Bardet-Biedl syndrome. Last evaluated: 2025-04-17. Review status: criteria provided, single submitter. Criteria: Invitae Variant Classification Sherloc (09022015). Collection method: clinical testing. Allele origin: germline.
Comment: This sequence change creates a premature translational stop signal (p.Leu168Phefs*33) in the BBS2 gene. It is expected to result in an absent or disrupted protein product. Loss-of-function variants in BBS2 are known to be pathogenic (PMID: 11285252, 20177705, 24608809, 26518167). This variant is not present in population databases (gnomAD no frequency). This premature translational stop signal has been observed in individual(s) with Bardet-Biedl syndrome (PMID: 20177705). ClinVar contains an entry for this variant (Variation ID: 936504). For these reasons, this variant has been classified as Pathogenic.

Baylor Genetics
Classification: Pathogenic for Bardet-Biedl syndrome 2. Last evaluated: 2023-03-23. Review status: criteria provided, single submitter. Criteria: ACMG Guidelines, 2015. Collection method: clinical testing. Allele origin: unknown.

Literature cited by the submitters: PubMed 11285252 (cited by Labcorp Genetics (formerly Invitae), Labcorp); PubMed 20177705 (cited by Labcorp Genetics (formerly Invitae), Labcorp); PubMed 24608809 (cited by Labcorp Genetics (formerly Invitae), Labcorp); PubMed 26518167 (cited by Labcorp Genetics (formerly Invitae), Labcorp).